The following is an entry in ClinVar:

NM_001098511.3(KIF2A):c.8C>T (p.Thr3Met)

Genes: KIF2A (kinesin family member 2A; plus strand), LOC129993961 (ATAC-STARR-seq lymphoblastoid silent region 16051; plus strand). Cytogenetic location: 5q12.1.
Variant type: single nucleotide variant.
Coding change: c.8C>T on transcript NM_001098511.3 (MANE Select); coding-DNA position 8, C replaced by T.
Protein change: p.Thr3Met; replaces threonine 3 with methionine.
Molecular consequence: missense variant. On other transcripts: 5 prime UTR variant (1).
Genome position (GRCh38, 1-based): chr5:62,306,480, C>T. VCF-style: chr5-62306480-C-T. GRCh37 (hg19) VCF-style: chr5-61602307-C-T.
Other names: c.-277C>T (NM_001243952.2); c.8C>T, p.Thr3Met (NM_001243953.2, NM_004520.5); short protein forms T3M.
Identifiers: ClinVar variation 1353578 (VCV001353578.10), dbSNP rs367659703, ClinGen allele CA3278668.
Genomic context (GRCh38, chr5:62,306,480, plus strand): 5'-TCCGCCCTCCGGTCCCCCTCCCTCGGCCCGCTGCTGCTGCTCCAGATGAGGTGATGGCAA[C>T]GGCCAACTTCGGCAAGATCCAGATCGGGATTTACGTGGAGATCAAGCGCAGCGATGGTGA-3'
Protein context (NP_001091981.1, residues 1-13): MA[Thr3Met]ANFGKIQIGI

ClinVar aggregate classification (germline): Uncertain significance (1 of 4 stars; one submission).

Allele frequency attached by ClinVar (database versions not stated): gnomAD exomes 0.00001; ExAC 0.00006; ESP Exome Variant Server 0.00011.
gnomAD v4.1: 9 of 1,544,600 alleles (0.00058%); highest among the groups gnomAD compares: Non-Finnish European, 0.00079%; no homozygotes.

Submission:

Labcorp Genetics (formerly Invitae), Labcorp
Classification: Uncertain significance. Last evaluated: 2022-10-09. Review status: criteria provided, single submitter. Criteria: Invitae Variant Classification Sherloc (09022015). Collection method: clinical testing. Allele origin: germline.
Comment: In summary, the available evidence is currently insufficient to determine the role of this variant in disease. Therefore, it has been classified as a Variant of Uncertain Significance. Algorithms developed to predict the effect of missense changes on protein structure and function (SIFT, PolyPhen-2, Align-GVGD) all suggest that this variant is likely to be tolerated. ClinVar contains an entry for this variant (Variation ID: 1353578). This variant has not been reported in the literature in individuals affected with KIF2A-related conditions. The frequency data for this variant in the population databases is considered unreliable, as metrics indicate poor data quality at this position in the gnomAD database. This sequence change replaces threonine, which is neutral and polar, with methionine, which is neutral and non-polar, at codon 3 of the KIF2A protein (p.Thr3Met).